The following is an entry in ClinVar:

NM_021072.4(HCN1):c.195CGG[3] (p.Gly74dup)

Gene: HCN1 (hyperpolarization activated cyclic nucleotide gated potassium channel 1; minus strand). Cytogenetic location: 5p12.
Variant type: Microsatellite.
Coding change: c.195CGG[3] on transcript NM_021072.4 (MANE Select); three copies in a row of the 3-base unit CGG starting at c.195; the reference has two copies in a row; one copy, 3 bases duplicated.
Protein change: p.Gly74dup; duplicates glycine 74.
Molecular consequence: inframe insertion.
Genome position (GRCh38, 1-based): chr5:45,695,894-45,695,896, CCG duplicated on the plus strand (CGG on the coding strand, the reverse complement: HCN1 is on the minus strand); duplicating any 3 consecutive bases within chr5:45,695,894-45,695,901 gives the same sequence; the position shown is the placement nearest the transcript's 3' end. VCF-style (leftmost placement, unchanged base first): chr5-45695893-A-ACCG. GRCh37 (hg19) VCF-style: chr5-45695995-A-ACCG.
Identifiers: ClinVar variation 839362 (VCV000839362.8), dbSNP rs1193693102, ClinGen allele CA811113476.
Genomic context (GRCh38, chr5:45,695,893, plus strand): 5'-GGGCCCCTCGGCGTCTTCGAAGCCCCCCGCCGGCTCCTCGCCGCCGCCGCCGCCGCCGCC[A>ACCG]CCGCCGCCACCGCCGTCCACCTTGAAGCACACGGAGTTGCCGTGCTCCTTCGCGCCGGCC-3'

ClinVar aggregate classification (germline): Uncertain significance (1 of 4 stars; one submission).

Conditions:
Developmental and epileptic encephalopathy. Identifiers: MedGen C5779964, MONDO:0100620.

Submission:

Labcorp Genetics (formerly Invitae), Labcorp
Classification: Uncertain significance for Early-infantile DEE. Last evaluated: 2023-08-04. Review status: criteria provided, single submitter. Criteria: Invitae Variant Classification Sherloc (09022015). Collection method: clinical testing. Allele origin: germline.
Comment: This variant, c.198_200dup, results in the insertion of 1 amino acid(s) of the HCN1 protein (p.Gly74dup), but otherwise preserves the integrity of the reading frame. This variant is not present in population databases (gnomAD no frequency). This variant has not been reported in the literature in individuals affected with HCN1-related conditions. ClinVar contains an entry for this variant (Variation ID: 839362). Experimental studies and prediction algorithms are not available or were not evaluated, and the functional significance of this variant is currently unknown. In summary, the available evidence is currently insufficient to determine the role of this variant in disease. Therefore, it has been classified as a Variant of Uncertain Significance.